The following is an entry in ClinVar:

NM_004370.6(COL12A1):c.5664+1G>A

Gene: COL12A1 (collagen type XII alpha 1 chain; minus strand). Cytogenetic location: 6q13.
Variant type: single nucleotide variant.
Coding change: c.5664+1G>A on transcript NM_004370.6 (MANE Select); the canonical splice donor site of the intron after coding-DNA position 5664, G replaced by A.
Molecular consequence: splice donor variant.
Genome position (GRCh38, 1-based): chr6:75,133,857, C>T on the plus strand (G>A on the coding strand, the complement: COL12A1 is on the minus strand). VCF-style: chr6-75133857-C-T. GRCh37 (hg19) VCF-style: chr6-75843573-C-T.
Other names: c.2172+1G>A (NM_080645.3).
Identifiers: ClinVar variation 1493731 (VCV001493731.8), dbSNP rs1766437216, ClinGen allele CA364734643.

ClinVar aggregate classification (germline): Likely pathogenic (1 of 4 stars; one submission).

Conditions:
Ullrich congenital muscular dystrophy 2 (UCMD2). Identifiers: Orphanet 75840, MedGen C4225314, MONDO:0014654, OMIM 616470.
Bethlem myopathy 2 (BTHLM2). Identifiers: Orphanet 536516, Orphanet 610, MedGen C4225313, MONDO:0034022, OMIM 616471.

Allele frequency attached by ClinVar (database versions not stated): TOPMed below 0.00001.

Submission:

Labcorp Genetics (formerly Invitae), Labcorp
Classification: Likely pathogenic for Bethlem myopathy 2; Ullrich congenital muscular dystrophy 2. Last evaluated: 2021-05-05. Review status: criteria provided, single submitter. Criteria: Invitae Variant Classification Sherloc (09022015). Collection method: clinical testing. Allele origin: germline.
Comment: Algorithms developed to predict the effect of sequence changes on RNA splicing suggest that this variant may disrupt the consensus splice site, but this prediction has not been confirmed by published transcriptional studies. This variant has not been reported in the literature in individuals with COL12A1-related conditions. This variant is not present in population databases (ExAC no frequency). This sequence change affects a donor splice site in intron 33 of the COL12A1 gene. It is expected to disrupt RNA splicing. Variants that disrupt the donor or acceptor splice site typically lead to a loss of protein function (PMID: 16199547), and loss-of-function variants in COL12A1 are known to be pathogenic (PMID: 24334604, 28973083). In summary, the currently available evidence indicates that the variant is pathogenic, but additional data are needed to prove that conclusively. Therefore, this variant has been classified as Likely Pathogenic.

Literature cited by the submitters: PubMed 16199547; PubMed 24334604; PubMed 28973083.